The following is an entry in ClinVar:

ClinVar aggregate classification (germline): Uncertain significance (1 of 4 stars; one submission).

Conditions:
Cardiovascular phenotype. Identifiers: MedGen CN230736.

Allele frequency attached by ClinVar (database versions not stated): TOPMed below 0.00001.

Submission:

Ambry Genetics
Classification: Uncertain significance for Cardiovascular phenotype. Last evaluated: 2023-04-17. Review status: criteria provided, single submitter. Criteria: Ambry Variant Classification Scheme 2023. Collection method: clinical testing. Allele origin: germline.
Comment: The p.M142L variant (also known as c.424A>T), located in coding exon 3 of the LPL gene, results from an A to T substitution at nucleotide position 424. The methionine at codon 142 is replaced by leucine, an amino acid with highly similar properties. This amino acid position is conserved. In addition, this alteration is predicted to be tolerated by in silico analysis. Since supporting evidence is limited at this time, the clinical significance of this alteration remains unclear.

NM_000237.3(LPL):c.424A>T (p.Met142Leu)

Gene: LPL (lipoprotein lipase; plus strand). Cytogenetic location: 8p21.3.
Variant type: single nucleotide variant.
Coding change: c.424A>T on transcript NM_000237.3 (MANE Select); coding-DNA position 424, A replaced by T.
Protein change: p.Met142Leu; replaces methionine 142 with leucine.
Molecular consequence: missense variant.
Genome position (GRCh38, 1-based): chr8:19,951,943, A>T. VCF-style: chr8-19951943-A-T. GRCh37 (hg19) VCF-style: chr8-19809454-A-T.
Other names: short protein forms M142L.
Identifiers: ClinVar variation 2568384 (VCV002568384.2), dbSNP rs1321038549, ClinGen allele CA370467771.